The following is an entry in ClinVar:

ClinVar aggregate classification (germline): Uncertain significance (1 of 4 stars; one submission).

Conditions:
Inclusion body myopathy with Paget disease of bone and frontotemporal dementia. Also called: Inclusion body myopathy with early-onset Paget disease and frontotemporal dementia. Identifiers: Orphanet 52430, MedGen C1833662, MONDO:0000507.
Frontotemporal dementia and/or amyotrophic lateral sclerosis 6 (FTDALS6). Also called: VCP-Related Amyotrophic Lateral Sclerosis; VCP-Related Amyotrophic Lateral Sclerosis/Frontotemporal Dementia. Identifiers: Orphanet 275872, Orphanet 803, MedGen C5436279, MONDO:0013501, OMIM 613954.

Submission:

Labcorp Genetics (formerly Invitae), Labcorp
Classification: Uncertain significance for Inclusion body myopathy with Paget disease of bone and frontotemporal dementia; Frontotemporal dementia and/or amyotrophic lateral sclerosis 6. Last evaluated: 2018-12-05. Review status: criteria provided, single submitter. Criteria: Invitae Variant Classification Sherloc (09022015). Collection method: clinical testing. Allele origin: germline.
Comment: This variant is not present in population databases (ExAC no frequency). This sequence change replaces valine with methionine at codon 394 of the VCP protein (p.Val394Met). The valine residue is highly conserved and there is a small physicochemical difference between valine and methionine. This variant has not been reported in the literature in individuals with VCP-related conditions. Algorithms developed to predict the effect of missense changes on protein structure and function are either unavailable or do not agree on the potential impact of this missense change (SIFT: "Not Available"; PolyPhen-2: "Benign"; Align-GVGD: "Not Available"). In summary, the available evidence is currently insufficient to determine the role of this variant in disease. Therefore, it has been classified as a Variant of Uncertain Significance.

NM_007126.5(VCP):c.1180G>A (p.Val394Met)

Gene: VCP (valosin containing protein; minus strand). Cytogenetic location: 9p13.3.
Variant type: single nucleotide variant.
Coding change: c.1180G>A on transcript NM_007126.5 (MANE Select); coding-DNA position 1180, G replaced by A.
Protein change: p.Val394Met; replaces valine 394 with methionine.
Molecular consequence: missense variant.
Genome position (GRCh38, 1-based): chr9:35,061,591, C>T on the plus strand (G>A on the coding strand, the complement: VCP is on the minus strand). VCF-style: chr9-35061591-C-T. GRCh37 (hg19) VCF-style: chr9-35061588-C-T.
Other names: c.1045G>A, p.Val349Met (NM_001354927.2, NM_001354928.2); short protein forms V394M, V349M.
Identifiers: ClinVar variation 656560 (VCV000656560.8), dbSNP rs1587122661, ClinGen allele CA373282946.